The following is an entry in ClinVar:

NM_017777.4(MKS1):c.1538T>C (p.Leu513Ser)

Gene: MKS1 (MKS transition zone complex subunit 1; minus strand). Cytogenetic location: 17q22.
Variant type: single nucleotide variant.
Coding change: c.1538T>C on transcript NM_017777.4 (MANE Select); coding-DNA position 1538, T replaced by C.
Protein change: p.Leu513Ser; replaces leucine 513 with serine.
Molecular consequence: missense variant. On other transcripts: synonymous variant (1).
Genome position (GRCh38, 1-based): chr17:58,206,333, A>G on the plus strand (T>C on the coding strand, the complement: MKS1 is on the minus strand). VCF-style: chr17-58206333-A-G. GRCh37 (hg19) VCF-style: chr17-56283694-A-G.
Other names: c.929T>C, p.Leu310Ser (NM_001321268.2); c.1455T>C, p.Val485= (NM_001321269.2); c.1321T>C, p.Trp441Arg (NM_001330397.2); short protein forms W441R, L310S, L513S.
Identifiers: ClinVar variation 836218 (VCV000836218.10), dbSNP rs1968503638, ClinGen allele CA400324479.

ClinVar aggregate classification (germline): Uncertain significance. Review status: criteria provided, single submitter (1 of 4 stars). 2 submissions from 2 submitters: Uncertain significance (1). 1 of the submissions does not count toward it. Last evaluated 2024-11-11.

Conditions:
Meckel-Gruber syndrome. Also called: DYSENCEPHALIA SPLANCHNOCYSTICA; GRUBER SYNDROME; Dysencephalia splachnocystica. Identifiers: Orphanet 564, MedGen C0265215, MONDO:0018921.
Joubert syndrome. Also called: CEREBELLOPARENCHYMAL DISORDER IV; JOUBERT-BOLTSHAUSER SYNDROME; Familial aplasia of the vermis. Identifiers: Orphanet 475, MedGen C5979921, MONDO:0018772.
Meckel syndrome, type 1 (MKS1). Also called: MECKEL-GRUBER SYNDROME, TYPE 1. Identifiers: Orphanet 564, MedGen C3714506, MONDO:0009571, OMIM 249000.

Allele frequency attached by ClinVar (database versions not stated): gnomAD exomes 0.00001.

Submissions (2):

Labcorp Genetics (formerly Invitae), Labcorp
Classification: Uncertain significance for Joubert syndrome; Meckel-Gruber syndrome. Last evaluated: 2024-11-11. Review status: criteria provided, single submitter. Criteria: Invitae Variant Classification Sherloc (09022015). Collection method: clinical testing. Allele origin: germline.
Comment: This sequence change replaces leucine, which is neutral and non-polar, with serine, which is neutral and polar, at codon 513 of the MKS1 protein (p.Leu513Ser). This variant is not present in population databases (gnomAD no frequency). This variant has not been reported in the literature in individuals affected with MKS1-related conditions. ClinVar contains an entry for this variant (Variation ID: 836218). Invitae Evidence Modeling of protein sequence and biophysical properties (such as structural, functional, and spatial information, amino acid conservation, physicochemical variation, residue mobility, and thermodynamic stability) indicates that this missense variant is not expected to disrupt MKS1 protein function with a negative predictive value of 80%. In summary, the available evidence is currently insufficient to determine the role of this variant in disease. Therefore, it has been classified as a Variant of Uncertain Significance.

Natera, Inc.
Classification: Uncertain significance for Meckel syndrome type 1. Last evaluated: 2021-02-25. Review status: no assertion criteria provided. Collection method: clinical testing. Allele origin: germline. Not counted in ClinVar's aggregate classification.